The following is an entry in ClinVar:

ClinVar aggregate classification (germline): Uncertain significance (1 of 4 stars; one submission).

Conditions:
Cardiovascular phenotype. Identifiers: MedGen CN230736.

Submission:

Ambry Genetics
Classification: Uncertain significance for Cardiovascular phenotype. Last evaluated: 2024-04-25. Review status: criteria provided, single submitter. Criteria: Ambry Variant Classification Scheme 2023. Collection method: clinical testing. Allele origin: germline.
Comment: The p.A408V variant (also known as c.1223C>T), located in coding exon 8 of the LMF1 gene, results from a C to T substitution at nucleotide position 1223. The alanine at codon 408 is replaced by valine, an amino acid with similar properties. This amino acid position is conserved. In addition, the in silico prediction for this alteration is inconclusive. Based on the available evidence, the clinical significance of this variant remains unclear.

NM_022773.4(LMF1):c.1223C>T (p.Ala408Val)

Gene: LMF1 (lipase maturation factor 1; minus strand). Cytogenetic location: 16p13.3.
Variant type: single nucleotide variant.
Coding change: c.1223C>T on transcript NM_022773.4 (MANE Select); coding-DNA position 1223, C replaced by T.
Protein change: p.Ala408Val; replaces alanine 408 with valine.
Molecular consequence: missense variant. On other transcripts: non-coding transcript variant (1).
Genome position (GRCh38, 1-based): chr16:870,738, G>A on the plus strand (C>T on the coding strand, the complement: LMF1 is on the minus strand). VCF-style: chr16-870738-G-A. GRCh37 (hg19) VCF-style: chr16-920738-G-A.
Other names: c.572C>T, p.Ala191Val (NM_001352017.2, NM_001352021.2); c.824C>T, p.Ala275Val (NM_001352018.2); c.896C>T, p.Ala299Val (NM_001352019.2); c.1223C>T, p.Ala408Val (NM_001352020.1); short protein forms A191V, A299V, A408V, A275V.
Identifiers: ClinVar variation 3290927 (VCV003290927.1).
Genomic context (GRCh38, chr16:870,738, plus strand): 5'-TGAGTCTCCCCATATACCCAGCTCCGGGGGACGGGGACCCCAGGCTCATACCTTCCGAAG[G>A]CCCCGTAAGTGTTGACGATGTGAAGAGAGTTGAAGTGGGTGTTCATGACCTGCCTGGAGC-3'
Protein context (NP_073610.2, residues 398-418): NSLHIVNTYG[Ala408Val]FGSITKERAE